The following is an entry in ClinVar:

ClinVar aggregate classification (germline): Uncertain significance. Review status: criteria provided, multiple submitters, no conflicts (2 of 4 stars). 2 submissions from 2 submitters: Uncertain significance (2). Last evaluated 2024-02-23.

Conditions:
Severe early-onset pulmonary alveolar proteinosis due to MARS deficiency. Also called: PULMONARY ALVEOLAR PROTEINOSIS, REUNION ISLAND; Interstitial lung and liver disease. Identifiers: Orphanet 440427, MedGen C4225400, MONDO:0014206, OMIM 615486.
Charcot-Marie-Tooth disease axonal type 2U. Also called: CHARCOT-MARIE-TOOTH NEUROPATHY, TYPE 2U; CHARCOT-MARIE-TOOTH DISEASE, AXONAL, AUTOSOMAL DOMINANT, TYPE 2U. Identifiers: Orphanet 397735, MedGen C4084821, MONDO:0014566, OMIM 616280.

Allele frequency attached by ClinVar (database versions not stated): ExAC 0.00001; gnomAD 0.00001; gnomAD exomes 0.00001; TOPMed 0.00001.
gnomAD v4.1: 19 of 1,614,040 alleles (0.0012%); highest among the groups gnomAD compares: African/African-American, 0.0027%; no homozygotes.

Submissions (2):

Labcorp Genetics (formerly Invitae), Labcorp
Classification: Uncertain significance for Charcot-Marie-Tooth disease axonal type 2U; Severe early-onset pulmonary alveolar proteinosis due to MARS deficiency. Last evaluated: 2024-02-23. Review status: criteria provided, single submitter. Criteria: Invitae Variant Classification Sherloc (09022015). Collection method: clinical testing. Allele origin: germline.
Comment: This sequence change replaces arginine, which is basic and polar, with histidine, which is basic and polar, at codon 680 of the MARS protein (p.Arg680His). This variant is present in population databases (rs750422474, gnomAD 0.0009%). This variant has not been reported in the literature in individuals affected with MARS-related conditions. ClinVar contains an entry for this variant (Variation ID: 2159603). An algorithm developed to predict the effect of missense changes on protein structure and function (PolyPhen-2) suggests that this variant is likely to be tolerated. In summary, the available evidence is currently insufficient to determine the role of this variant in disease. Therefore, it has been classified as a Variant of Uncertain Significance.

Ambry Genetics
Classification: Uncertain significance. Last evaluated: 2023-05-08. Review status: criteria provided, single submitter. Criteria: Ambry Variant Classification Scheme 2023. Collection method: clinical testing. Allele origin: germline.

NM_004990.4(MARS1):c.2039G>A (p.Arg680His)

Gene: MARS1 (methionyl-tRNA synthetase 1; plus strand). Cytogenetic location: 12q13.3.
Variant type: single nucleotide variant.
Coding change: c.2039G>A on transcript NM_004990.4 (MANE Select); coding-DNA position 2039, G replaced by A.
Protein change: p.Arg680His; replaces arginine 680 with histidine.
Molecular consequence: missense variant.
Genome position (GRCh38, 1-based): chr12:57,514,791, G>A. VCF-style: chr12-57514791-G-A. GRCh37 (hg19) VCF-style: chr12-57908574-G-A.
Other names: c.2039G>A (NM_004990.3); short protein forms R680H.
Identifiers: ClinVar variation 2159603 (VCV002159603.6), dbSNP rs750422474, ClinGen allele CA6650687.
Genomic context (GRCh38, chr12:57,514,791, plus strand): 5'-TTGTGTCTAAGTTCTTTGGGGGCTATGTGCCTGAGATGGTGCTCACCCCTGATGATCAGC[G>A]CCTGCTGGCCCATGTCACCCTGGAGCTCCAGCACTATCACCAGCTACTTGAGAAGGTTCG-3'
Protein context (NP_004981.2, residues 670-690): PEMVLTPDDQ[Arg680His]LLAHVTLELQ